The following is an entry in ClinVar:

ClinVar aggregate classification (germline): Uncertain significance. Review status: criteria provided, multiple submitters, no conflicts (2 of 4 stars). 3 submissions from 3 submitters: Uncertain significance (3). Last evaluated 2025-09-02.

Conditions:
NOTCH2-related disorder. Also called: NOTCH2-related condition.
Alagille syndrome due to a NOTCH2 point mutation. Also called: Alagille syndrome 2. Identifiers: Orphanet 261629, Orphanet 52, MedGen C1857761, MONDO:0012439, OMIM 610205.
Hajdu-Cheney syndrome (HJCYS). Also called: SERPENTINE FIBULA-POLYCYSTIC KIDNEY SYNDROME; Acroosteolysis dominant type; ACROOSTEOLYSIS WITH OSTEOPOROSIS AND CHANGES IN SKULL AND MANDIBLE. Identifiers: Orphanet 955, MedGen C0917715, MONDO:0007057, OMIM 102500.

Allele frequency attached by ClinVar (database versions not stated): gnomAD exomes below 0.00001; TOPMed below 0.00001; ExAC 0.00001.
gnomAD v4.1: 6 of 1,614,196 alleles (0.00037%); highest among the groups gnomAD compares: African/African-American, 0.004%; no homozygotes.

Submissions (3):

PreventionGenetics, part of Exact Sciences
Classification: Uncertain significance for NOTCH2-related condition. Last evaluated: 2025-09-02. Review status: criteria provided, single submitter. Criteria: ACMG Guidelines, 2015. Collection method: clinical testing. Allele origin: germline.
Comment: The NOTCH2 c.2584G>T variant is predicted to result in the amino acid substitution p.Ala862Ser. To our knowledge, this variant has not been reported in the literature. This variant is reported in 0.00088% of alleles in individuals of European (Non-Finnish) descent in gnomAD. At this time, the clinical significance of this variant is uncertain due to the absence of conclusive functional and genetic evidence.

Fulgent Genetics
Classification: Uncertain significance for Hajdu-Cheney syndrome; Alagille syndrome due to a NOTCH2 point mutation. Last evaluated: 2021-11-01. Review status: criteria provided, single submitter. Criteria: ACMG Guidelines, 2015. Collection method: clinical testing. Allele origin: unknown.

Eurofins Ntd Llc (ga)
Classification: Uncertain significance. Last evaluated: 2017-06-22. Review status: criteria provided, single submitter. Criteria: EGL Classification Definitions 2015. Collection method: clinical testing. Allele origin: germline. Observed: 1 variant allele, 1 heterozygote.

NM_024408.4(NOTCH2):c.2584G>T (p.Ala862Ser)

Gene: NOTCH2 (notch receptor 2; minus strand). Cytogenetic location: 1p12.
Variant type: single nucleotide variant.
Coding change: c.2584G>T on transcript NM_024408.4 (MANE Select); coding-DNA position 2584, G replaced by T.
Protein change: p.Ala862Ser; replaces alanine 862 with serine.
Molecular consequence: missense variant.
Genome position (GRCh38, 1-based): chr1:119,949,022, C>A on the plus strand (G>T on the coding strand, the complement: NOTCH2 is on the minus strand). VCF-style: chr1-119949022-C-A. GRCh37 (hg19) VCF-style: chr1-120491645-C-A.
Other names: c.2584G>T (NM_024408.3); c.2584G>T, p.Ala862Ser (NM_001200001.2); short protein forms A862S.
Identifiers: ClinVar variation 502698 (VCV000502698.7), dbSNP rs782798700, ClinGen allele CA1040251.
Genomic context (GRCh38, chr1:119,949,022, plus strand): 5'-AAGTCAGAATGCATGTTCTTGGCTTCTCCACACCCATGTTCTTACCTTGCCAGCCAGGAG[C>A]ACACAAGCAAGTATAACTCTCAAAATTTGGTGACTCTTTGCAAACAGCAGCATTCTCACA-3'
Protein context (NP_077719.2, residues 852-872): PNFESYTCLC[Ala862Ser]PGWQGQRCTI